The following is an entry in ClinVar:

ClinVar aggregate classification (germline): Uncertain significance. Review status: criteria provided, multiple submitters, no conflicts (2 of 4 stars). 2 submissions from 2 submitters: Uncertain significance (2). Last evaluated 2023-07-27.

Allele frequency attached by ClinVar (database versions not stated): TOPMed below 0.00001; gnomAD 0.00001; ExAC 0.00002.
gnomAD v4.1: 8 of 1,606,264 alleles (0.0005%); highest among the groups gnomAD compares: Admixed American, 0.013%; no homozygotes.

Submissions (2):

Labcorp Genetics (formerly Invitae), Labcorp
Classification: Uncertain significance. Last evaluated: 2023-07-27. Review status: criteria provided, single submitter. Criteria: Invitae Variant Classification Sherloc (09022015). Collection method: clinical testing. Allele origin: germline.
Comment: In summary, the available evidence is currently insufficient to determine the role of this variant in disease. Therefore, it has been classified as a Variant of Uncertain Significance. An algorithm developed to predict the effect of missense changes on protein structure and function (PolyPhen-2) suggests that this variant is likely to be disruptive. ClinVar contains an entry for this variant (Variation ID: 2409418). This variant has not been reported in the literature in individuals affected with CARD8-related conditions. This variant is present in population databases (rs758963965, gnomAD 0.02%). This sequence change replaces phenylalanine, which is neutral and non-polar, with leucine, which is neutral and non-polar, at codon 304 of the CARD8 protein (p.Phe304Leu).

Ambry Genetics
Classification: Uncertain significance. Last evaluated: 2021-09-16. Review status: criteria provided, single submitter. Criteria: Ambry Variant Classification Scheme 2023. Collection method: clinical testing. Allele origin: germline.

NM_001184900.3(CARD8):c.1062C>G (p.Phe354Leu)

Gene: CARD8 (caspase recruitment domain family member 8; minus strand). Cytogenetic location: 19q13.33.
Variant type: single nucleotide variant.
Coding change: c.1062C>G on transcript NM_001184900.3 (MANE Select); coding-DNA position 1062, C replaced by G.
Protein change: p.Phe354Leu; replaces phenylalanine 354 with leucine.
Molecular consequence: missense variant. On other transcripts: non-coding transcript variant (3).
Genome position (GRCh38, 1-based): chr19:48,221,829, G>C on the plus strand (C>G on the coding strand, the complement: CARD8 is on the minus strand). VCF-style: chr19-48221829-G-C. GRCh37 (hg19) VCF-style: chr19-48725086-G-C.
Other names: c.912C>G, p.Phe304Leu (NM_001184901.1, NM_001351783.2, NM_001351788.2 and 2 more transcripts); c.1062C>G, p.Phe354Leu (NM_001184902.2, NM_001184903.1, NM_001351782.2); c.747C>G, p.Phe249Leu (NM_001351784.2, NM_001351787.2, NM_001351791.2 and 1 more transcripts); c.726C>G, p.Phe242Leu (NM_001351786.2); c.819C>G, p.Phe273Leu (NM_001351790.2); c.744C>G, p.Phe248Leu (NM_001365950.1); short protein forms F248L, F304L, F354L, F273L, F242L, F249L.
Identifiers: ClinVar variation 2409418 (VCV002409418.5), dbSNP rs758963965, ClinGen allele CA9547804.